The following is an entry in ClinVar:

ClinVar aggregate classification (germline): Pathogenic (1 of 4 stars; one submission).

Conditions:
Charcot-Marie-Tooth disease, type I (CMT1). Also called: Charcot-Marie-Tooth, Type 1; Charcot-Marie-Tooth disease type 1. Identifiers: Orphanet 65753, MedGen C0751036, MONDO:0019011.

Submission:

Labcorp Genetics (formerly Invitae), Labcorp
Classification: Pathogenic for Charcot-Marie-Tooth disease, type I. Last evaluated: 2019-09-29. Review status: criteria provided, single submitter. Criteria: Invitae Variant Classification Sherloc (09022015). Collection method: clinical testing. Allele origin: germline.
Comment: This variant is a gross deletion of the genomic region encompassing exons 2-3 of the PMP22 gene, which includes the initiator codon. The 5' end of this event is unknown as it extends beyond the assayed region for this gene and therefore may encompass additional genes. The 3' boundary is likely confined to intron 3 of the PMP22 gene. This is expected to result in an absent or disrupted protein product. Similar copy number variants have been observed in individuals affected with hereditary neuropathy with liability to pressure palsies (HNPP) or Charcot-Marie-Tooth disease (CMT) (PMID: 18698610, 19543269, 20493460). Loss-of-function variants in PMP22 are known to be pathogenic (PMID: 23224996). For these reasons, this variant has been classified as Pathogenic.

Literature cited by the submitters: PubMed 20493460; PubMed 19543269; PubMed 18698610.

NC_000017.11:g.(?_15259084)_(15260737_?)del

Gene: PMP22 (peripheral myelin protein 22; minus strand). Cytogenetic location: 17p12.
Variant type: Deletion.
Identifiers: ClinVar variation 831609 (VCV000831609.1).